The following is an entry in ClinVar:

NM_000138.5(FBN1):c.3972T>C (p.Asn1324=)

Gene: FBN1 (fibrillin 1; minus strand). Cytogenetic location: 15q21.1.
Variant type: single nucleotide variant.
Coding change: c.3972T>C on transcript NM_000138.5 (MANE Select); coding-DNA position 3972, T replaced by C.
Protein change: p.Asn1324=; no amino-acid change (asparagine 1324 retained).
Molecular consequence: synonymous variant.
Genome position (GRCh38, 1-based): chr15:48,474,643, A>G on the plus strand (T>C on the coding strand, the complement: FBN1 is on the minus strand). VCF-style: chr15-48474643-A-G. GRCh37 (hg19) VCF-style: chr15-48766840-A-G.
Other names: c.3972T>C, p.Asn1324= (NM_001406716.1).
Identifiers: ClinVar variation 3071017 (VCV003071017.1), dbSNP rs2043405375, ClinGen allele CA490015321.
Genomic context (GRCh38, chr15:48,474,643, plus strand): 5'-TCCTGCTGTATTGGTACATACAGCATGTTTGCCACAGTTGTGTGCTCCAATTTCACATTC[A>G]TTGATGTCTGGAAAAATGAGCAGTGATTTAGAAAAAGGCTCAGCACAAATGTCTTTTGGT-3'
Protein context (NP_000129.3, residues 1314-1334): KKGKTGCTDI[Asn1324=]ECEIGAHNCG

ClinVar aggregate classification (germline): Likely benign (1 of 4 stars; one submission).

Conditions:
Marfan syndrome (MFS). Also called: MARFAN SYNDROME, TYPE I; Marfan syndrome type 1; Marfan's syndrome; Marfan syndrome, classic; FBN1-Related Marfan Syndrome. Identifiers: Orphanet 284963, Orphanet 558, MedGen C0024796, MONDO:0007947, OMIM 154700.

Allele frequency attached by ClinVar (database versions not stated): gnomAD exomes below 0.00001.
gnomAD v4.1: 7 of 1,614,132 alleles (0.00043%); highest among the groups gnomAD compares: Non-Finnish European, 0.00059%; no homozygotes.

Submission:

All of Us Research Program, National Institutes of Health
Classification: Likely benign for Marfan syndrome. Last evaluated: 2023-05-16. Review status: criteria provided, single submitter. Criteria: ACMG Guidelines, 2015. Collection method: clinical testing. Allele origin: germline. Inheritance: Autosomal dominant inheritance. Observed: 1 variant allele, 1 heterozygote.
Comment: This study involves interpretation of variants in research participants for the purpose of population health screening. Participant phenotype was not available at the time of variant classification. Additional details can be found in publication PMID: 35346344, PMCID: PMC8962531